The following is an entry in ClinVar:

ClinVar aggregate classification (germline): Uncertain significance (1 of 4 stars; one submission).

Submission:

GeneDx
Classification: Uncertain significance. Last evaluated: 2025-01-27. Review status: criteria provided, single submitter. Criteria: GeneDx Variant Classification Process June 2021. Collection method: clinical testing. Allele origin: germline. Affected: yes.
Comment: Not observed at significant frequency in large population cohorts (gnomAD); In silico analysis indicates that this missense variant does not alter protein structure/function; Has not been previously published as pathogenic or benign to our knowledge

NM_003482.4(KMT2D):c.11444C>T (p.Pro3815Leu)

Gene: KMT2D (lysine methyltransferase 2D; minus strand). Cytogenetic location: 12q13.12.
Variant type: single nucleotide variant.
Coding change: c.11444C>T on transcript NM_003482.4 (MANE Select); coding-DNA position 11444, C replaced by T.
Protein change: p.Pro3815Leu; replaces proline 3815 with leucine.
Molecular consequence: missense variant.
Genome position (GRCh38, 1-based): chr12:49,033,261, G>A on the plus strand (C>T on the coding strand, the complement: KMT2D is on the minus strand). VCF-style: chr12-49033261-G-A. GRCh37 (hg19) VCF-style: chr12-49427044-G-A.
Other names: short protein forms P3815L.
Identifiers: ClinVar variation 4071743 (VCV004071743.1).